The following is an entry in ClinVar:

ClinVar aggregate classification (germline): Uncertain significance. Review status: criteria provided, multiple submitters, no conflicts (2 of 4 stars). 2 submissions from 2 submitters: Uncertain significance (2). Last evaluated 2024-09-13.

Allele frequency attached by ClinVar (database versions not stated): gnomAD exomes 0.00001 and 0.00002; ExAC 0.00002.
gnomAD v4.1: 18 of 1,614,140 alleles (0.0011%); highest among the groups gnomAD compares: East Asian, 0.0067%; no homozygotes.

Submissions (2):

GeneDx
Classification: Uncertain significance. Last evaluated: 2024-09-13. Review status: criteria provided, single submitter. Criteria: GeneDx Variant Classification Process June 2021. Collection method: clinical testing. Allele origin: germline. Affected: yes.
Comment: Not observed at significant frequency in large population cohorts (gnomAD); In silico analysis indicates that this missense variant does not alter protein structure/function; Has not been previously published as pathogenic or benign to our knowledge

Labcorp Genetics (formerly Invitae), Labcorp
Classification: Uncertain significance. Last evaluated: 2022-07-25. Review status: criteria provided, single submitter. Criteria: Invitae Variant Classification Sherloc (09022015). Collection method: clinical testing. Allele origin: germline.
Comment: In summary, the available evidence is currently insufficient to determine the role of this variant in disease. Therefore, it has been classified as a Variant of Uncertain Significance. Algorithms developed to predict the effect of missense changes on protein structure and function (SIFT, PolyPhen-2, Align-GVGD) all suggest that this variant is likely to be tolerated. ClinVar contains an entry for this variant (Variation ID: 1504415). This variant has not been reported in the literature in individuals affected with NDUFA10-related conditions. This variant is present in population databases (rs529791334, gnomAD 0.006%). This sequence change replaces alanine, which is neutral and non-polar, with threonine, which is neutral and polar, at codon 105 of the NDUFA10 protein (p.Ala105Thr).

NM_004544.4(NDUFA10):c.313G>A (p.Ala105Thr)

Gene: NDUFA10 (NADH:ubiquinone oxidoreductase subunit A10; minus strand). Cytogenetic location: 2q37.3.
Variant type: single nucleotide variant.
Coding change: c.313G>A on transcript NM_004544.4 (MANE Select); coding-DNA position 313, G replaced by A.
Protein change: p.Ala105Thr; replaces alanine 105 with threonine.
Molecular consequence: missense variant. On other transcripts: non-coding transcript variant (4).
Genome position (GRCh38, 1-based): chr2:240,021,344, C>T on the plus strand (G>A on the coding strand, the complement: NDUFA10 is on the minus strand). VCF-style: chr2-240021344-C-T. GRCh37 (hg19) VCF-style: chr2-240960761-C-T.
Other names: c.313G>A, p.Ala105Thr (NM_001322019.2, NM_001322020.2); c.313G>A (NM_004544.3); short protein forms A105T.
Identifiers: ClinVar variation 1504415 (VCV001504415.7), dbSNP rs529791334, ClinGen allele CA2201091.